The following is an entry in ClinVar:

ClinVar aggregate classification (germline): Uncertain significance (1 of 4 stars; one submission).

Conditions:
Brown-Vialetto-van Laere syndrome 1. Also called: BROWN-VIALETTO-VAN LAERE SYNDROME 1, MILD; BULBAR PALSY, PROGRESSIVE, WITH SENSORINEURAL DEAFNESS; PONTOBULBAR PALSY WITH DEAFNESS. Identifiers: Orphanet 572550, Orphanet 97229, MedGen C0796274, MONDO:0024537, OMIM 211530.

Submission:

Labcorp Genetics (formerly Invitae), Labcorp
Classification: Uncertain significance for Brown-Vialetto-van Laere syndrome 1. Last evaluated: 2021-10-19. Review status: criteria provided, single submitter. Criteria: Invitae Variant Classification Sherloc (09022015). Collection method: clinical testing. Allele origin: germline.
Comment: This sequence change replaces valine with phenylalanine at codon 365 of the SLC52A3 protein (p.Val365Phe). The valine residue is weakly conserved and there is a small physicochemical difference between valine and phenylalanine. This variant is not present in population databases (ExAC no frequency). This variant has not been reported in the literature in individuals affected with SLC52A3-related conditions. Algorithms developed to predict the effect of missense changes on protein structure and function output the following: SIFT: "Tolerated"; PolyPhen-2: "Benign"; Align-GVGD: "Class C0". The phenylalanine amino acid residue is found in multiple mammalian species, which suggests that this missense change does not adversely affect protein function. In summary, the available evidence is currently insufficient to determine the role of this variant in disease. Therefore, it has been classified as a Variant of Uncertain Significance.

NM_033409.4(SLC52A3):c.1093G>T (p.Val365Phe)

Gene: SLC52A3 (solute carrier family 52 member 3; minus strand). Cytogenetic location: 20p13.
Variant type: single nucleotide variant.
Coding change: c.1093G>T on transcript NM_033409.4 (MANE Select); coding-DNA position 1093, G replaced by T.
Protein change: p.Val365Phe; replaces valine 365 with phenylalanine.
Molecular consequence: missense variant.
Genome position (GRCh38, 1-based): chr20:761,805, C>A on the plus strand (G>T on the coding strand, the complement: SLC52A3 is on the minus strand). VCF-style: chr20-761805-C-A. GRCh37 (hg19) VCF-style: chr20-742449-C-A.
Other names: c.1093G>T, p.Val365Phe (NM_001370085.1, NM_001370086.1); short protein forms V365F.
Identifiers: ClinVar variation 1345512 (VCV001345512.6), dbSNP rs763929903, ClinGen allele CA407962458.
Genomic context (GRCh38, chr20:761,805, plus strand): 5'-GGCTCATCACCGCCATGGCCATGTTGTAGCCCCCAAAGCAGGTCCCAAGCACGGAGAGGA[C>A]CCCCAGGAACAGCAGAGACCTAGAGGAAAGTAGGGGAGGTGAGTGGAGGTGAGAAGCCTG-3'
Protein context (NP_212134.3, residues 355-375): LPNRSLLFLG[Val365Phe]LSVLGTCFGG